The following is an entry in ClinVar:

NM_001367561.1(DOCK7):c.5509-7_5509-6insA

Gene: DOCK7 (dedicator of cytokinesis 7; minus strand). Cytogenetic location: 1p31.3.
Variant type: Insertion.
Coding change: c.5509-7_5509-6insA on transcript NM_001367561.1 (MANE Select); 7 bases into the intron before coding-DNA position 5509 through 6 bases into the intron before coding-DNA position 5509, A inserted.
Molecular consequence: intron variant. On other transcripts: frameshift variant (2).
Genome position: GRCh38 VCF-style: chr1-62477831-C-CT. GRCh37 (hg19) VCF-style: chr1-62943502-C-CT.
Other names: c.5469_5470insA, p.Gly1824fs (NM_001271999.2); c.5376_5377insA, p.Gly1793fs (NM_001272001.2); c.5389-7_5389-6insA (NM_001272000.2); c.5416-7_5416-6insA (NM_033407.4); c.5482-7_5482-6insA (NM_001330614.2); short protein forms G1824fs, G1793fs.
Identifiers: ClinVar variation 2843788 (VCV002843788.3), dbSNP rs2523770658, ClinGen allele CA2739272590.

ClinVar aggregate classification (germline): Pathogenic (1 of 4 stars; one submission).

Conditions:
Developmental and epileptic encephalopathy, 23 (DEE23). Also called: Epileptic encephalopathy, early infantile, 23. Identifiers: Orphanet 411986, MedGen C4014492, MONDO:0014371, OMIM 615859.

Submission:

Labcorp Genetics (formerly Invitae), Labcorp
Classification: Pathogenic for Developmental and epileptic encephalopathy, 23. Last evaluated: 2023-03-17. Review status: criteria provided, single submitter. Criteria: Invitae Variant Classification Sherloc (09022015). Collection method: clinical testing. Allele origin: germline.
Comment: This sequence change creates a premature translational stop signal (p.Gly1824Argfs*2) in the DOCK7 gene. It is expected to result in an absent or disrupted protein product. Loss-of-function variants in DOCK7 are known to be pathogenic (PMID: 24814191). This variant is not present in population databases (gnomAD no frequency). This variant has not been reported in the literature in individuals affected with DOCK7-related conditions. Algorithms developed to predict the effect of sequence changes on RNA splicing suggest that this variant may create or strengthen a splice site. For these reasons, this variant has been classified as Pathogenic.

Literature cited by the submitters: PubMed 24814191.